The following is an entry in ClinVar:

ClinVar aggregate classification (germline): Uncertain significance. Review status: criteria provided, multiple submitters, no conflicts (2 of 4 stars). 2 submissions from 2 submitters: Uncertain significance (2). Last evaluated 2023-06-05.

Conditions:
Dilated cardiomyopathy 1O (CMD1O). Also called: CARDIOMYOPATHY, DILATED, WITH VENTRICULAR TACHYCARDIA. Identifiers: Orphanet 154, MedGen C1837839, MONDO:0012062, OMIM 608569.

Allele frequency attached by ClinVar (database versions not stated): gnomAD exomes below 0.00001.
gnomAD v4.1: 2 of 1,613,672 alleles (0.00012%); highest among the groups gnomAD compares: Non-Finnish European, 0.00017%; no homozygotes.

Submissions (2):

Blueprint Genetics
Classification: Uncertain significance. Last evaluated: 2023-06-05. Review status: criteria provided, single submitter. Criteria: ACMG Guidelines, 2015. Collection method: clinical testing. Allele origin: germline.

Labcorp Genetics (formerly Invitae), Labcorp
Classification: Uncertain significance for Dilated cardiomyopathy 1O. Last evaluated: 2021-05-10. Review status: criteria provided, single submitter. Criteria: Invitae Variant Classification Sherloc (09022015). Collection method: clinical testing. Allele origin: germline.
Comment: This sequence change replaces arginine with glutamine at codon 1498 of the ABCC9 protein (p.Arg1498Gln). The arginine residue is moderately conserved and there is a small physicochemical difference between arginine and glutamine. This variant is not present in population databases (ExAC no frequency). This variant has not been reported in the literature in individuals with ABCC9-related conditions. Algorithms developed to predict the effect of missense changes on protein structure and function are either unavailable or do not agree on the potential impact of this missense change (SIFT: "Deleterious"; PolyPhen-2: "Benign"; Align-GVGD: "Class C0"). In summary, the available evidence is currently insufficient to determine the role of this variant in disease. Therefore, it has been classified as a Variant of Uncertain Significance.

NM_020297.4(ABCC9):c.4493G>A (p.Arg1498Gln)

Genes: ABCC9 (ATP binding cassette subfamily C member 9; minus strand), KCNJ8-AS1 (KCNJ8 antisense RNA 1; plus strand). Cytogenetic location: 12p12.1.
Variant type: single nucleotide variant.
Coding change: c.4493G>A on transcript NM_020297.4 (MANE Select); coding-DNA position 4493, G replaced by A.
Protein change: p.Arg1498Gln; replaces arginine 1498 with glutamine.
Molecular consequence: missense variant.
Genome position (GRCh38, 1-based): chr12:21,806,017, C>T on the plus strand (G>A on the coding strand, the complement: ABCC9 is on the minus strand). VCF-style: chr12-21806017-C-T. GRCh37 (hg19) VCF-style: chr12-21958951-C-T.
Other names: c.4493G>A, p.Arg1498Gln (NM_001377273.1, NM_005691.4); c.3626G>A, p.Arg1209Gln (NM_001377274.1); short protein forms R1498Q, R1209Q.
Identifiers: ClinVar variation 1462086 (VCV001462086.9), dbSNP rs2137110050, ClinGen allele CA384130064.